The following is an entry in ClinVar:

NM_000051.4(ATM):c.9043G>A (p.Glu3015Lys)

Genes: ATM (ATM serine/threonine kinase; plus strand), C11orf65 (chromosome 11 open reading frame 65; minus strand). Cytogenetic location: 11q22.3.
Variant type: single nucleotide variant.
Coding change: c.9043G>A on transcript NM_000051.4 (MANE Select); coding-DNA position 9043, G replaced by A.
Protein change: p.Glu3015Lys; replaces glutamic acid 3015 with lysine.
Molecular consequence: missense variant. On other transcripts: intron variant (2).
Genome position (GRCh38, 1-based): chr11:108,365,380, G>A. VCF-style: chr11-108365380-G-A. GRCh37 (hg19) VCF-style: chr11-108236107-G-A.
Other names: c.9043G>A, p.Glu3015Lys (NM_001351834.2); c.640+20540C>T (NM_001330368.2); c.694+20540C>T (NM_001351110.2); short protein forms E3015K.
Identifiers: ClinVar variation 642544 (VCV000642544.9), dbSNP rs1591387120, ClinGen allele CA382531366.

ClinVar aggregate classification (germline): Uncertain significance. Review status: criteria provided, multiple submitters, no conflicts (2 of 4 stars). 2 submissions from 2 submitters: Uncertain significance (2). Last evaluated 2025-04-17.

Conditions:
Hereditary cancer-predisposing syndrome. Also called: Tumor predisposition; Hereditary neoplastic syndrome; Neoplastic Syndromes, Hereditary; Hereditary Cancer Syndrome. Identifiers: Orphanet 140162, MedGen C0027672, MeSH D009386, MONDO:0015356.
Ataxia-telangiectasia syndrome (AT). Also called: Ataxia-telangiectasia, complementation group D; AT, COMPLEMENTATION GROUP C; ATAXIA-TELANGIECTASIA, COMPLEMENTATION GROUP A; ATAXIA-TELANGIECTASIA, FRESNO VARIANT; Ataxia-telangiectasia; LOUIS-BAR SYNDROME. Identifiers: Orphanet 100, MedGen C0004135, MONDO:0008840, OMIM 208900.

Submissions (2):

Labcorp Genetics (formerly Invitae), Labcorp
Classification: Uncertain significance for Ataxia-telangiectasia syndrome. Last evaluated: 2025-04-17. Review status: criteria provided, single submitter. Criteria: Invitae Variant Classification Sherloc (09022015). Collection method: clinical testing. Allele origin: germline.
Comment: This sequence change replaces glutamic acid, which is acidic and polar, with lysine, which is basic and polar, at codon 3015 of the ATM protein (p.Glu3015Lys). This variant is not present in population databases (gnomAD no frequency). This variant has not been reported in the literature in individuals affected with ATM-related conditions. ClinVar contains an entry for this variant (Variation ID: 642544). Invitae Evidence Modeling of protein sequence and biophysical properties (such as structural, functional, and spatial information, amino acid conservation, physicochemical variation, residue mobility, and thermodynamic stability) indicates that this missense variant is not expected to disrupt ATM protein function with a negative predictive value of 95%. In summary, the available evidence is currently insufficient to determine the role of this variant in disease. Therefore, it has been classified as a Variant of Uncertain Significance.

Ambry Genetics
Classification: Uncertain significance for Hereditary cancer-predisposing syndrome. Last evaluated: 2023-02-10. Review status: criteria provided, single submitter. Criteria: Ambry Variant Classification Scheme 2023. Collection method: clinical testing. Allele origin: germline.
Comment: The p.E3015K variant (also known as c.9043G>A), located in coding exon 62 of the ATM gene, results from a G to A substitution at nucleotide position 9043. The glutamic acid at codon 3015 is replaced by lysine, an amino acid with similar properties. This amino acid position is conserved. In addition, this alteration is predicted to be tolerated by in silico analysis. Since supporting evidence is limited at this time, the clinical significance of this alteration remains unclear.